The following is an entry in ClinVar:

ClinVar aggregate classification (germline): Uncertain significance. Review status: criteria provided, single submitter (1 of 4 stars). 2 submissions from 2 submitters: Uncertain significance (1). 1 of the submissions does not count toward it. Last evaluated 2024-12-05.

Conditions:
Retinal dystrophy. Also called: Inherited retinal dystrophy. Identifiers: Orphanet 71862, MedGen C0854723, MeSH D058499, MONDO:0019118, HP:0000556.

Allele frequency attached by ClinVar (database versions not stated): gnomAD 0.00001; gnomAD exomes 0.00001 and 0.00002; TOPMed 0.00001; ExAC 0.00002; ESP Exome Variant Server 0.00008.
gnomAD v4.1: 26 of 1,613,946 alleles (0.0016%); highest among the groups gnomAD compares: Non-Finnish European, 0.002%; no homozygotes.

Submissions (2):

Labcorp Genetics (formerly Invitae), Labcorp
Classification: Uncertain significance. Last evaluated: 2024-12-05. Review status: criteria provided, single submitter. Criteria: Invitae Variant Classification Sherloc (09022015). Collection method: clinical testing. Allele origin: germline.
Comment: This sequence change replaces arginine, which is basic and polar, with histidine, which is basic and polar, at codon 825 of the PITPNM3 protein (p.Arg825His). This variant is present in population databases (rs148826628, gnomAD 0.003%). This missense change has been observed in individual(s) with clinical features of PITPNM3-related conditions (internal data). ClinVar contains an entry for this variant (Variation ID: 1035560). Invitae Evidence Modeling of protein sequence and biophysical properties (such as structural, functional, and spatial information, amino acid conservation, physicochemical variation, residue mobility, and thermodynamic stability) indicates that this missense variant is not expected to disrupt PITPNM3 protein function with a negative predictive value of 80%. In summary, the available evidence is currently insufficient to determine the role of this variant in disease. Therefore, it has been classified as a Variant of Uncertain Significance.

Institute of Human Genetics, Univ. Regensburg, Univ. Regensburg
Classification: Uncertain significance for Retinal dystrophy. Last evaluated: 2022-01-01. Review status: no assertion criteria provided. Criteria: ACMG Guidelines, 2015. Collection method: clinical testing. Allele origin: germline. Affected: yes. Not counted in ClinVar's aggregate classification.

NM_031220.4(PITPNM3):c.2474G>A (p.Arg825His)

Gene: PITPNM3 (PITPNM family member 3; minus strand). Cytogenetic location: 17p13.2.
Variant type: single nucleotide variant.
Coding change: c.2474G>A on transcript NM_031220.4 (MANE Select); coding-DNA position 2474, G replaced by A.
Protein change: p.Arg825His; replaces arginine 825 with histidine.
Molecular consequence: missense variant.
Genome position (GRCh38, 1-based): chr17:6,461,389, C>T on the plus strand (G>A on the coding strand, the complement: PITPNM3 is on the minus strand). VCF-style: chr17-6461389-C-T. GRCh37 (hg19) VCF-style: chr17-6364709-C-T.
Other names: c.2366G>A, p.Arg789His (NM_001165966.2); short protein forms R825H, R789H.
Identifiers: ClinVar variation 1035560 (VCV001035560.9), dbSNP rs148826628, ClinGen allele CA8329169.